The following is an entry in ClinVar:

NM_130384.3(ATRIP):c.1954T>A (p.Trp652Arg)

Genes: ATRIP (ATR interacting protein; plus strand), ATRIP-TREX1 (ATRIP-TREX1 readthrough; plus strand). Cytogenetic location: 3p21.31.
Variant type: single nucleotide variant.
Coding change: c.1954T>A on transcript NM_130384.3 (MANE Select); coding-DNA position 1954, T replaced by A.
Protein change: p.Trp652Arg; replaces tryptophan 652 with arginine.
Molecular consequence: missense variant. On other transcripts: non-coding transcript variant (1).
Genome position (GRCh38, 1-based): chr3:48,464,112, T>A. VCF-style: chr3-48464112-T-A. GRCh37 (hg19) VCF-style: chr3-48505511-T-A.
Other names: c.1573T>A, p.Trp525Arg (NM_001271022.2); c.1675T>A, p.Trp559Arg (NM_001271023.2); c.1954T>A, p.Trp652Arg (NM_032166.4); short protein forms W559R, W525R, W652R.
Identifiers: ClinVar variation 4182473 (VCV004182473.1).

ClinVar aggregate classification (germline): Uncertain significance (1 of 4 stars; one submission).

gnomAD v4.1: 1 of 1,613,554 alleles (0.000062%); highest among the groups gnomAD compares: African/African-American, 0.0013%; no homozygotes.

Submission:

Ambry Genetics
Classification: Uncertain significance. Last evaluated: 2025-08-13. Review status: criteria provided, single submitter. Criteria: Ambry Variant Classification Scheme 2023. Collection method: clinical testing. Allele origin: germline.
Comment: The p.W652R variant (also known as c.1954T>A), located in coding exon 10 of the ATRIP gene, results from a T to A substitution at nucleotide position 1954. The tryptophan at codon 652 is replaced by arginine, an amino acid with dissimilar properties. This amino acid position is conserved. In addition, this alteration is predicted to be deleterious by in silico analysis. Based on the available evidence, the clinical significance of this variant remains unclear.